The following is an entry in ClinVar:

ClinVar aggregate classification (germline): Uncertain significance (1 of 4 stars; one submission).

Conditions:
Intellectual disability, autosomal recessive 42 (NEDDSBA). Also called: Neurodevelopmental disorder with dysmorphic features, spasticity, and brain abnormalities; GLYCOSYLPHOSPHATIDYLINOSITOL BIOSYNTHESIS DEFECT 9. Identifiers: Orphanet 88616, MedGen C4014343, MONDO:0014348, OMIM 615802.

Submission:

Labcorp Genetics (formerly Invitae), Labcorp
Classification: Uncertain significance for Intellectual disability, autosomal recessive 42. Last evaluated: 2022-07-03. Review status: criteria provided, single submitter. Criteria: Invitae Variant Classification Sherloc (09022015). Collection method: clinical testing. Allele origin: germline.
Comment: In summary, the available evidence is currently insufficient to determine the role of this variant in disease. Therefore, it has been classified as a Variant of Uncertain Significance. Algorithms developed to predict the effect of missense changes on protein structure and function are either unavailable or do not agree on the potential impact of this missense change (SIFT: "Tolerated"; PolyPhen-2: "Probably Damaging"; Align-GVGD: "Class C0"). This sequence change replaces threonine, which is neutral and polar, with proline, which is neutral and non-polar, at codon 237 of the PGAP1 protein (p.Thr237Pro). This variant is not present in population databases (gnomAD no frequency). This variant has not been reported in the literature in individuals affected with PGAP1-related conditions.

NM_024989.4(PGAP1):c.709A>C (p.Thr237Pro)

Gene: PGAP1 (post-GPI attachment to proteins inositol deacylase 1; minus strand). Cytogenetic location: 2q33.1.
Variant type: single nucleotide variant.
Coding change: c.709A>C on transcript NM_024989.4 (MANE Select); coding-DNA position 709, A replaced by C.
Protein change: p.Thr237Pro; replaces threonine 237 with proline.
Molecular consequence: missense variant. On other transcripts: 5 prime UTR variant (1).
Genome position (GRCh38, 1-based): chr2:196,902,683, T>G on the plus strand (A>C on the coding strand, the complement: PGAP1 is on the minus strand). VCF-style: chr2-196902683-T-G. GRCh37 (hg19) VCF-style: chr2-197767407-T-G.
Other names: c.187A>C, p.Thr63Pro (NM_001321099.2); c.-403A>C (NM_001321100.2); short protein forms T63P, T237P.
Identifiers: ClinVar variation 1969796 (VCV001969796.5), dbSNP rs2468690458, ClinGen allele CA350177904.